The following is an entry in ClinVar:

ClinVar aggregate classification (germline): Pathogenic (1 of 4 stars; one submission).

Conditions:
Hereditary breast ovarian cancer syndrome. Also called: Hereditary breast and ovarian cancer syndrome (HBOC); BRCA1- and BRCA2-Associated Hereditary Breast and Ovarian Cancer; Hereditary breast and ovarian cancer syndrome; Breast and ovarian cancer; Hereditary breast and ovarian cancer; Hereditary breast and/or ovarian cancer syndrome. Identifiers: Orphanet 145, MedGen C0677776, MeSH D061325, MONDO:0003582. Disease mechanism: loss of function.

Submission:

Labcorp Genetics (formerly Invitae), Labcorp
Classification: Pathogenic for Hereditary breast ovarian cancer syndrome. Last evaluated: 2017-11-16. Review status: criteria provided, single submitter. Criteria: Invitae Variant Classification Sherloc (09022015). Collection method: clinical testing. Allele origin: germline.
Comment: For these reasons, this variant has been classified as Pathogenic. Loss-of-function variants in BRCA2 are known to be pathogenic (PMID: 20104584). This variant has not been reported in the literature in individuals with BRCA2-related disease. This variant is not present in population databases (ExAC no frequency). This sequence change creates a premature translational stop signal (p.Lys586Glufs*4) in the BRCA2 gene. It is expected to result in an absent or disrupted protein product.

Literature cited by the submitters: PubMed 20104584.

NM_000059.4(BRCA2):c.1754dup (p.Lys586fs)

Gene: BRCA2 (BRCA2 DNA repair associated; plus strand). Cytogenetic location: 13q13.1.
Variant type: Duplication.
Coding change: c.1754dup on transcript NM_000059.4 (MANE Select); coding-DNA position 1754, one base duplicated (A; older notation c.1754dupA).
Protein change: p.Lys586fs; shifts the reading frame from lysine 586.
Molecular consequence: frameshift variant.
Genome position (GRCh38, 1-based): chr13:32,333,232, A duplicated; the last of 5 consecutive A bases (chr13:32,333,228-32,333,232); duplicating any one gives the same sequence. VCF-style (leftmost placement, unchanged base first): chr13-32333227-G-GA. GRCh37 (hg19) VCF-style: chr13-32907364-G-GA.
Other names: c.1754dupA (NM_000059.3); short protein forms K586fs.
Identifiers: ClinVar variation 531296 (VCV000531296.7), dbSNP rs80359301, ClinGen allele CA658798085.
Genomic context (GRCh38, chr13:32,333,227, plus strand): 5'-GCCAGCCACCACCACACAGAATTCTGTAGCTTTGAAGAATGCAGGTTTAATATCCACTTT[G>GA]AAAAAGAAAACAAATAAGTTTATTTATGCTATACATGATGAAACATCTTATAAAGGAAAA-3'